The following is an entry in ClinVar:

NM_201253.3(CRB1):c.344del (p.Gly115fs)

Gene: CRB1 (crumbs cell polarity complex component 1; plus strand). Cytogenetic location: 1q31.3.
Variant type: Deletion.
Coding change: c.344del on transcript NM_201253.3 (MANE Select); coding-DNA position 344, one base deleted (G; older notation c.344delG).
Protein change: p.Gly115fs; shifts the reading frame from glycine 115.
Molecular consequence: frameshift variant. On other transcripts: non-coding transcript variant (2).
Genome position (GRCh38, 1-based): chr1:197,328,695, G deleted; the last of 2 consecutive G bases (chr1:197,328,694-197,328,695); deleting either gives the same sequence. VCF-style (leftmost placement, unchanged base first): chr1-197328693-TG-T. GRCh37 (hg19) VCF-style: chr1-197297823-TG-T.
Other names: c.344del, p.Gly115fs (NM_001193640.2, NM_001257966.2); c.137del, p.Gly46fs (NM_001257965.2); short protein forms G115fs, G46fs.
Identifiers: ClinVar variation 4817059 (VCV004817059.1).

ClinVar aggregate classification (germline): Likely pathogenic (1 of 4 stars; one submission).

Conditions:
Leber congenital amaurosis (LCA). Also called: Leber's amaurosis. Identifiers: Orphanet 65, MedGen C0339527, MeSH D057130, MONDO:0018998.

Submission:

Natera, Inc.
Classification: Likely pathogenic for Leber congenital amaurosis. Last evaluated: 2024-06-26. Review status: criteria provided, single submitter. Criteria: Natera Variant Classification Schema (03/2026). Collection method: clinical testing. Allele origin: germline.
Comment: The c.344del variant in CRB1 is a frameshift variant predicted to shift the reading frame beginning at codon 115 and leads to a stop codon 33 codons downstream. This variant is expected to result in nonsense mediated decay, truncation, or a dysfunctional protein product. This variant is rare in the general population with a frequency below the threshold expected for the associated phenotype(s). Given the available evidence, this variant is classified as Likely Pathogenic.